The following is an entry in ClinVar:

ClinVar aggregate classification (germline): Pathogenic/Likely pathogenic. Review status: criteria provided, multiple submitters, no conflicts (2 of 4 stars). 2 submissions from 2 submitters: Pathogenic (1); Likely pathogenic (1). Last evaluated 2024-12-19.

Conditions:
Lethal congenital contractural syndrome Finnish type.

Submissions (2):

Natera, Inc.
Classification: Likely pathogenic for Lethal congenital contractural syndrome Finnish type. Last evaluated: 2024-12-19. Review status: criteria provided, single submitter. Criteria: Natera Variant Classification Schema (03/2026). Collection method: clinical testing. Allele origin: germline.
Comment: The c.1812G>A variant in GLE1 is a nonsense variant predicted to introduce a stop codon at amino acid 604. This variant is expected to result in nonsense mediated decay, truncation, or a dysfunctional protein product. This variant is rare in the general population with a frequency below the threshold expected for the associated phenotype(s). Given the available evidence, this variant is classified as Likely Pathogenic.

Labcorp Genetics (formerly Invitae), Labcorp
Classification: Pathogenic. Last evaluated: 2023-07-29. Review status: criteria provided, single submitter. Criteria: Invitae Variant Classification Sherloc (09022015). Collection method: clinical testing. Allele origin: germline.
Comment: This sequence change creates a premature translational stop signal (p.Trp604*) in the GLE1 gene. It is expected to result in an absent or disrupted protein product. Loss-of-function variants in GLE1 are known to be pathogenic (PMID: 18204449, 24243016, 27684565). This variant is not present in population databases (gnomAD no frequency). This variant has not been reported in the literature in individuals affected with GLE1-related conditions. For these reasons, this variant has been classified as Pathogenic.

Literature cited by the submitters: PubMed 18204449 (cited by Labcorp Genetics (formerly Invitae), Labcorp); PubMed 24243016 (cited by Labcorp Genetics (formerly Invitae), Labcorp); PubMed 27684565 (cited by Labcorp Genetics (formerly Invitae), Labcorp).

NM_001003722.2(GLE1):c.1812G>A (p.Trp604Ter)

Genes: GLE1 (GLE1 RNA export mediator; plus strand), LOC101929270 (uncharacterized LOC101929270; minus strand). Cytogenetic location: 9q34.11.
Variant type: single nucleotide variant.
Coding change: c.1812G>A on transcript NM_001003722.2 (MANE Select); coding-DNA position 1812, G replaced by A.
Protein change: p.Trp604Ter; replaces tryptophan 604 with a stop codon.
Molecular consequence: nonsense.
Genome position (GRCh38, 1-based): chr9:128,538,021, G>A. VCF-style: chr9-128538021-G-A. GRCh37 (hg19) VCF-style: chr9-131300300-G-A.
Other names: c.1839G>A, p.Trp613Ter (NM_001411013.1); c.1812G>A, p.Trp604Ter (NM_001499.2); short protein forms W604*, W613*.
Identifiers: ClinVar variation 2748150 (VCV002748150.4), dbSNP rs1193539062, ClinGen allele CA375045265.